The following is an entry in ClinVar:

NM_020366.4(RPGRIP1):c.2738A>G (p.Glu913Gly)

Gene: RPGRIP1 (RPGR interacting protein 1; plus strand). Cytogenetic location: 14q11.2.
Variant type: single nucleotide variant.
Coding change: c.2738A>G on transcript NM_020366.4 (MANE Select); coding-DNA position 2738, A replaced by G.
Protein change: p.Glu913Gly; replaces glutamic acid 913 with glycine.
Molecular consequence: missense variant.
Genome position (GRCh38, 1-based): chr14:21,327,650, A>G. VCF-style: chr14-21327650-A-G. GRCh37 (hg19) VCF-style: chr14-21795809-A-G.
Other names: c.716A>G, p.Glu239Gly (NM_001377523.1, NM_001377950.1); c.1664A>G, p.Glu555Gly (NM_001377948.1); c.824A>G, p.Glu275Gly (NM_001377949.1); c.218A>G, p.Glu73Gly (NM_001377951.1); short protein forms E239G, E73G, E913G, E275G, E555G.
Identifiers: ClinVar variation 2132419 (VCV002132419.4), dbSNP rs2502839338, ClinGen allele CA388870503.

ClinVar aggregate classification (germline): Uncertain significance (1 of 4 stars; one submission).

Conditions:
Leber congenital amaurosis 6 (LCA6). Identifiers: Orphanet 65, MedGen C1854260, MONDO:0013446, OMIM 613826.
Cone-rod dystrophy 13 (CORD13). Identifiers: Orphanet 1872, MedGen C2750720, MONDO:0011987, OMIM 608194.

Submission:

Labcorp Genetics (formerly Invitae), Labcorp
Classification: Uncertain significance for Leber congenital amaurosis 6; Cone-rod dystrophy 13. Last evaluated: 2022-05-17. Review status: criteria provided, single submitter. Criteria: Invitae Variant Classification Sherloc (09022015). Collection method: clinical testing. Allele origin: germline.
Comment: In summary, the available evidence is currently insufficient to determine the role of this variant in disease. Therefore, it has been classified as a Variant of Uncertain Significance. Algorithms developed to predict the effect of sequence changes on RNA splicing suggest that this variant may create or strengthen a splice site. Algorithms developed to predict the effect of missense changes on protein structure and function output the following: SIFT: "Tolerated"; PolyPhen-2: "Benign"; Align-GVGD: "Class C0". The glycine amino acid residue is found in multiple mammalian species, which suggests that this missense change does not adversely affect protein function. This variant has not been reported in the literature in individuals affected with RPGRIP1-related conditions. This variant is not present in population databases (gnomAD no frequency). This sequence change replaces glutamic acid, which is acidic and polar, with glycine, which is neutral and non-polar, at codon 913 of the RPGRIP1 protein (p.Glu913Gly).